The following is an entry in ClinVar:

ClinVar aggregate classification (germline): Uncertain significance. Review status: criteria provided, multiple submitters, no conflicts (2 of 4 stars). 2 submissions from 2 submitters: Uncertain significance (2). Last evaluated 2025-08-02.

Conditions:
Inborn genetic diseases. Identifiers: MedGen C0950123, MeSH D030342.

Allele frequency attached by ClinVar (database versions not stated): gnomAD exomes below 0.00001; TOPMed 0.00001.
gnomAD v4.1: 1 of 1,614,184 alleles (0.000062%); highest among the groups gnomAD compares: Non-Finnish European, 0.000085%; no homozygotes.

Submissions (2):

Ambry Genetics
Classification: Uncertain significance for Inborn genetic diseases. Last evaluated: 2025-08-02. Review status: criteria provided, single submitter. Criteria: Ambry Variant Classification Scheme 2023. Collection method: clinical testing. Allele origin: germline.

Labcorp Genetics (formerly Invitae), Labcorp
Classification: Uncertain significance. Last evaluated: 2022-04-09. Review status: criteria provided, single submitter. Criteria: Invitae Variant Classification Sherloc (09022015). Collection method: clinical testing. Allele origin: germline.
Comment: This variant is not present in population databases (gnomAD no frequency). This sequence change replaces leucine, which is neutral and non-polar, with proline, which is neutral and non-polar, at codon 212 of the ZNF462 protein (p.Leu212Pro). This variant has not been reported in the literature in individuals affected with ZNF462-related conditions. In summary, the available evidence is currently insufficient to determine the role of this variant in disease. Therefore, it has been classified as a Variant of Uncertain Significance. Algorithms developed to predict the effect of missense changes on protein structure and function are either unavailable or do not agree on the potential impact of this missense change (SIFT: "Deleterious"; PolyPhen-2: "Possibly Damaging"; Align-GVGD: "Class C0").

NM_021224.6(ZNF462):c.635T>C (p.Leu212Pro)

Gene: ZNF462 (zinc finger protein 462; plus strand). Cytogenetic location: 9q31.2.
Variant type: single nucleotide variant.
Coding change: c.635T>C on transcript NM_021224.6 (MANE Select); coding-DNA position 635, T replaced by C.
Protein change: p.Leu212Pro; replaces leucine 212 with proline.
Molecular consequence: missense variant.
Genome position (GRCh38, 1-based): chr9:106,924,547, T>C. VCF-style: chr9-106924547-T-C. GRCh37 (hg19) VCF-style: chr9-109686828-T-C.
Other names: c.635T>C (NM_021224.4); c.635T>C, p.Leu212Pro (NM_001347997.2); short protein forms L212P.
Identifiers: ClinVar variation 1978158 (VCV001978158.6), dbSNP rs762473377, ClinGen allele CA197488741.